The following is an entry in ClinVar:

ClinVar aggregate classification (germline): Conflicting classifications of pathogenicity. Review status: criteria provided, conflicting classifications (1 of 4 stars). 3 submissions from 3 submitters: Uncertain significance (1); Likely benign (2). Last evaluated 2025-10-20.

Conditions:
Episodic ataxia type 2 (EA2). Also called: ACETAZOLAMIDE-RESPONSIVE HEREDITARY PAROXYSMAL CEREBELLAR ATAXIA; EPISODIC ATAXIA, NYSTAGMUS-ASSOCIATED; ATAXIA, EPISODIC, WITH NYSTAGMUS; ATAXIA, FAMILIAL PAROXYSMAL; CEREBELLAR ATAXIA, PAROXYSMAL, ACETAZOLAMIDE-RESPONSIVE; CEREBELLOPATHY, HEREDITARY PAROXYSMAL. Identifiers: Orphanet 97, MedGen C1720416, MONDO:0007163, OMIM 108500.
Developmental and epileptic encephalopathy, 42 (DEE42A). Also called: DEVELOPMENTAL AND EPILEPTIC ENCEPHALOPATHY 42A; EPILEPTIC ENCEPHALOPATHY, EARLY INFANTILE, 42A; Epileptic encephalopathy, early infantile, 42. Identifiers: MedGen C4310716, MONDO:0014917, OMIM 617106.

gnomAD v4.1: 10 of 1,570,824 alleles (0.00064%); highest among the groups gnomAD compares: Middle Eastern, 0.02%; no homozygotes.

Submissions (3):

Labcorp Genetics (formerly Invitae), Labcorp
Classification: Likely benign for Developmental and epileptic encephalopathy, 42; Episodic ataxia type 2. Last evaluated: 2025-10-20. Review status: criteria provided, single submitter. Criteria: Invitae Variant Classification Sherloc (09022015). Collection method: clinical testing. Allele origin: germline.

New York Genome Center
Classification: Uncertain significance for Developmental and epileptic encephalopathy, 42. Last evaluated: 2021-03-05. Review status: criteria provided, single submitter. Criteria: NYGC Assertion Criteria 2020. Collection method: clinical testing. Allele origin: inherited. Observed: 1 heterozygote. Study: CSER-NYCKidSeq.

GeneDx
Classification: Likely benign. Last evaluated: 2020-05-04. Review status: criteria provided, single submitter. Criteria: GeneDx Variant Classification Process June 2021. Collection method: clinical testing. Allele origin: germline. Affected: yes.
Comment: Not observed at a significant frequency in large population cohorts (Lek et al., 2016); In silico analysis, which includes protein predictors and evolutionary conservation, supports that this variant does not alter protein structure/function; Has not been previously published as pathogenic or benign to our knowledge

NM_001127222.2(CACNA1A):c.2813G>A (p.Gly938Asp)

Gene: CACNA1A (calcium voltage-gated channel subunit alpha1 A; minus strand). Cytogenetic location: 19p13.13.
Variant type: single nucleotide variant.
Coding change: c.2813G>A on transcript NM_001127222.2 (MANE Select); coding-DNA position 2813, G replaced by A.
Protein change: p.Gly938Asp; replaces glycine 938 with aspartic acid.
Molecular consequence: missense variant.
Genome position (GRCh38, 1-based): chr19:13,298,820, C>T on the plus strand (G>A on the coding strand, the complement: CACNA1A is on the minus strand). VCF-style: chr19-13298820-C-T. GRCh37 (hg19) VCF-style: chr19-13409634-C-T.
Other names: c.2825G>A, p.Gly942Asp (NM_000068.4, NM_023035.3); c.2816G>A, p.Gly939Asp (NM_001127221.2, NM_001174080.2); short protein forms G938D, G939D, G942D.
Identifiers: ClinVar variation 1206480 (VCV001206480.9), dbSNP rs747413278, ClinGen allele CA305506307.
Genomic context (GRCh38, chr19:13,298,820, plus strand): 5'-TGACGTCGATGCTCCCCGTCCGCGCCCGTGCGCGGGGACCCGCTGCGGCTCTCCCTGCTG[C>T]CCCCCTGCCGGTGCACGTGCCTCCGGTGGGGGTCCCCGGCCTTGCCTCGCTCGGCCTCGC-3'
Protein context (NP_001120694.1, residues 928-948): PHRRHVHRQG[Gly938Asp]SRESRSGSPR